The following is an entry in ClinVar:

ClinVar aggregate classification (germline): Pathogenic (1 of 4 stars; one submission).

Conditions:
Dystonia 30. Identifiers: MedGen C5543312, MONDO:0025691, OMIM 619291.

Submission:

Mendelics
Classification: Pathogenic for Dystonia 30. Last evaluated: 2026-03-05. Review status: criteria provided, single submitter. Criteria: ACMG Guidelines, 2015. Collection method: clinical testing. Allele origin: unknown.
Comment: Likely pathogenic/Pathogenic according to ACMG criteria.

NM_022575.4(VPS16):c.539G>A (p.Trp180Ter)

Gene: VPS16 (VPS16 core subunit of CORVET and HOPS complexes; plus strand). Cytogenetic location: 20p13.
Variant type: single nucleotide variant.
Coding change: c.539G>A on transcript NM_022575.4 (MANE Select); coding-DNA position 539, G replaced by A.
Protein change: p.Trp180Ter; replaces tryptophan 180 with a stop codon.
Molecular consequence: nonsense.
Genome position (GRCh38, 1-based): chr20:2,860,772, G>A. VCF-style: chr20-2860772-G-A. GRCh37 (hg19) VCF-style: chr20-2841418-G-A.
Other names: c.539G>A, p.Trp180Ter (NM_080413.3); short protein forms W180*.
Identifiers: ClinVar variation 4813602 (VCV004813602.1).
Genomic context (GRCh38, chr20:2,860,772, plus strand): 5'-TGGTCATCCTAACACTGTCCTTTTCCCTGGCCATAGGTCTGCAAAGTGCACCCTCCTGCT[G>A]GACTGTGCTGTGCCAGGACCGAGTGGCACACATTCTTCTGGCTGTGGGGCCTGACCTTTA-3'